The following is an entry in ClinVar:

ClinVar aggregate classification (germline): Uncertain significance (1 of 4 stars; one submission).

Allele frequency attached by ClinVar (database versions not stated): gnomAD 0.00001; ExAC 0.00003.

Submission:

Ambry Genetics
Classification: Uncertain significance. Last evaluated: 2023-09-28. Review status: criteria provided, single submitter. Criteria: Ambry Variant Classification Scheme 2023. Collection method: clinical testing. Allele origin: germline.
Comment: The p.R218H variant (also known as c.653G>A), located in coding exon 1 of the EGLN2 gene, results from a G to A substitution at nucleotide position 653. The arginine at codon 218 is replaced by histidine, an amino acid with highly similar properties. This amino acid position is conserved. In addition, this alteration is predicted to be tolerated by in silico analysis. Since supporting evidence is limited at this time, the clinical significance of this alteration remains unclear.

NM_080732.4(EGLN2):c.653G>A (p.Arg218His)

Genes: EGLN2 (egl-9 family hypoxia inducible factor 2; plus strand), RAB4B-EGLN2 (RAB4B-EGLN2 readthrough (NMD candidate); plus strand). Cytogenetic location: 19q13.2.
Variant type: single nucleotide variant.
Coding change: c.653G>A on transcript NM_080732.4 (MANE Select); coding-DNA position 653, G replaced by A.
Protein change: p.Arg218His; replaces arginine 218 with histidine.
Molecular consequence: missense variant. On other transcripts: non-coding transcript variant (1).
Genome position (GRCh38, 1-based): chr19:40,801,225, G>A. VCF-style: chr19-40801225-G-A. GRCh37 (hg19) VCF-style: chr19-41307130-G-A.
Other names: c.653G>A, p.Arg218His (NM_053046.4); short protein forms R218H.
Identifiers: ClinVar variation 1754106 (VCV001754106.2), dbSNP rs756541267, ClinGen allele CA9452269.
Genomic context (GRCh38, chr19:40,801,225, plus strand): 5'-TGGGGGCAGCACTGGGCGGTCGCGTGCTGGCCGAGGTGGAGGCCCTCAAACGGGGTGGGC[G>A]CCTGCGAGACGGGCAGCTAGTGAGCCAGAGGGCGATCCCGCCGCGCAGCATCCGTGGGGA-3'
Protein context (NP_542770.2, residues 208-228): AEVEALKRGG[Arg218His]LRDGQLVSQR